The following is an entry in ClinVar:

ClinVar aggregate classification (germline): Uncertain significance (1 of 4 stars; one submission).

gnomAD v4.1: 3 of 1,592,392 alleles (0.00019%); highest among the groups gnomAD compares: South Asian, 0.0011%; no homozygotes.

Submission:

Ambry Genetics
Classification: Uncertain significance. Last evaluated: 2026-05-28. Review status: criteria provided, single submitter. Criteria: Ambry Variant Classification Scheme 2023. Collection method: clinical testing. Allele origin: germline.
Comment: The p.A149G variant (also known as c.446C>G), located in coding exon 4 of the RAD51B gene, results from a C to G substitution at nucleotide position 446. The alanine at codon 149 is replaced by glycine, an amino acid with similar properties. This amino acid position is conserved. In addition, the in silico prediction for this alteration is inconclusive. Based on the available evidence, the clinical significance of this variant remains unclear.

NM_133510.4(RAD51B):c.446C>G (p.Ala149Gly)

Gene: RAD51B (RAD51 paralog B; plus strand). Cytogenetic location: 14q24.1.
Variant type: single nucleotide variant.
Coding change: c.446C>G on transcript NM_133510.4 (MANE Select); coding-DNA position 446, C replaced by G.
Protein change: p.Ala149Gly; replaces alanine 149 with glycine.
Molecular consequence: missense variant.
Genome position (GRCh38, 1-based): chr14:67,865,133, C>G. VCF-style: chr14-67865133-C-G. GRCh37 (hg19) VCF-style: chr14-68331850-C-G.
Other names: c.446C>G, p.Ala149Gly (NM_001321809.2, NM_001321810.2, NM_001321812.1 and 6 more transcripts); c.332C>G, p.Ala111Gly (NM_001321815.1); c.89C>G, p.Ala30Gly (NM_001321817.2); short protein forms A111G, A149G, A30G.
Identifiers: ClinVar variation 4862917 (VCV004862917.1).